The following is an entry in ClinVar:

NM_021964.3(ZNF148):c.1414A>G (p.Lys472Glu)

Gene: ZNF148 (zinc finger protein 148; minus strand). Cytogenetic location: 3q21.2.
Variant type: single nucleotide variant.
Coding change: c.1414A>G on transcript NM_021964.3 (MANE Select); coding-DNA position 1414, A replaced by G.
Protein change: p.Lys472Glu; replaces lysine 472 with glutamic acid.
Molecular consequence: missense variant.
Genome position (GRCh38, 1-based): chr3:125,233,312, T>C on the plus strand (A>G on the coding strand, the complement: ZNF148 is on the minus strand). VCF-style: chr3-125233312-T-C. GRCh37 (hg19) VCF-style: chr3-124952156-T-C.
Other names: c.1414A>G, p.Lys472Glu (NM_001348424.1, NM_001348425.2, NM_001348426.2 and 7 more transcripts); c.1288A>G, p.Lys430Glu (NM_001348434.2); short protein forms K430E, K472E.
Identifiers: ClinVar variation 3370115 (VCV003370115.1).

ClinVar aggregate classification (germline): Uncertain significance (1 of 4 stars; one submission).

Submission:

GeneDx
Classification: Uncertain significance. Last evaluated: 2023-12-20. Review status: criteria provided, single submitter. Criteria: GeneDx Variant Classification Process June 2021. Collection method: clinical testing. Allele origin: germline. Affected: yes.
Comment: Not observed at significant frequency in large population cohorts (gnomAD); In silico analysis supports that this missense variant does not alter protein structure/function; Has not been previously published as pathogenic or benign to our knowledge